The following is an entry in ClinVar:

ClinVar aggregate classification (germline): Uncertain significance (1 of 4 stars; one submission).

Allele frequency attached by ClinVar (database versions not stated): gnomAD exomes below 0.00001.
gnomAD v4.1: 1 of 1,614,140 alleles (0.000062%); highest among the groups gnomAD compares: Non-Finnish European, 0.000085%; no homozygotes.

Submission:

Ambry Genetics
Classification: Uncertain significance. Last evaluated: 2023-07-27. Review status: criteria provided, single submitter. Criteria: Ambry Variant Classification Scheme 2023. Collection method: clinical testing. Allele origin: germline.
Comment: The p.S389F variant (also known as c.1166C>T), located in coding exon 13 of the NPAT gene, results from a C to T substitution at nucleotide position 1166. The serine at codon 389 is replaced by phenylalanine, an amino acid with highly dissimilar properties. This amino acid position is conserved. In addition, this alteration is predicted to be tolerated by in silico analysis. Since supporting evidence is limited at this time, the clinical significance of this alteration remains unclear.

NM_002519.3(NPAT):c.1166C>T (p.Ser389Phe)

Gene: NPAT (nuclear protein, coactivator of histone transcription; minus strand). Cytogenetic location: 11q22.3.
Variant type: single nucleotide variant.
Coding change: c.1166C>T on transcript NM_002519.3 (MANE Select); coding-DNA position 1166, C replaced by T.
Protein change: p.Ser389Phe; replaces serine 389 with phenylalanine.
Molecular consequence: missense variant.
Genome position (GRCh38, 1-based): chr11:108,173,818, G>A on the plus strand (C>T on the coding strand, the complement: NPAT is on the minus strand). VCF-style: chr11-108173818-G-A. GRCh37 (hg19) VCF-style: chr11-108044545-G-A.
Other names: c.1166C>T, p.Ser389Phe (NM_001321307.1); short protein forms S389F.
Identifiers: ClinVar variation 1738254 (VCV001738254.3), dbSNP rs2496722283, ClinGen allele CA382516157.